The following is an entry in ClinVar:

ClinVar aggregate classification (germline): Pathogenic (1 of 4 stars; one submission).

Conditions:
Ehlers-Danlos syndrome due to tenascin-X deficiency (EDSCLL1). Also called: EDS DUE TO TNX DEFICIENCY; TNX DEFICIENCY; Ehlers-Danlos syndrome, classic-like, 1; EHLERS-DANLOS SYNDROME, CLASSIC-LIKE; TNXB-Related Classical-Like Ehlers-Danlos Syndrome. Identifiers: Orphanet 230839, MedGen C1848029, MONDO:0011670, OMIM 606408.

Submission:

Myriad Genetics, Inc.
Classification: Pathogenic for Ehlers-Danlos syndrome due to tenascin-X deficiency. Last evaluated: 2025-06-09. Review status: criteria provided, single submitter. Criteria: Myriad Autosomal Dominant, Autosomal Recessive and X-Linked Classification Criteria (2023). Collection method: clinical testing. Allele origin: unknown.
Comment: NM_019105.6(TNXB):c.6415delG(V2139Cfs*59) is expected to be pathogenic in the context of classical-like Ehlers-Danlos syndrome, TNXB-related. This variant is predicted to lead to an abnormal or absent protein product due to the creation of a premature termination codon in TNXB, a gene where loss-of-function variants are known to be pathogenic. Please note: this variant was assessed in the context of healthy population screening.

NM_001365276.2(TNXB):c.6415del (p.Val2139fs)

Gene: TNXB (tenascin XB; minus strand). Cytogenetic location: 6p21.33.
Variant type: Deletion.
Coding change: c.6415del on transcript NM_001365276.2 (MANE Select); coding-DNA position 6415, one base deleted (G; older notation c.6415delG).
Protein change: p.Val2139fs; shifts the reading frame from valine 2139.
Molecular consequence: frameshift variant.
Genome position (GRCh38, 1-based): chr6:32,067,790, C deleted on the plus strand (G on the coding strand, the reverse complement: TNXB is on the minus strand); the first of 2 consecutive C bases (chr6:32,067,790-32,067,791); deleting either gives the same sequence. VCF-style (leftmost placement, unchanged base first): chr6-32067789-AC-A. GRCh37 (hg19) VCF-style: chr6-32035566-AC-A.
Other names: c.7156del, p.Val2386fs (NM_001428335.1); c.6415del, p.Val2139fs (NM_019105.8); short protein forms V2139fs, V2386fs.
Identifiers: ClinVar variation 5014570 (VCV005014570.1).
Genomic context (GRCh38, chr6:32,067,789, plus strand): 5'-TACTTGCGCCCAGGCTCCAGGCCCCCCACGGTGACTTCACTCTCCTCGCCCCCAACACGC[AC>A]CACCTGGGGCCGCCCGTCCCTGTCCTTGTACTGCACGGTGAAGGAGTCGAAGCGGCCCTG-3'